The following is an entry in ClinVar:

ClinVar aggregate classification (germline): Uncertain significance (1 of 4 stars; one submission).

gnomAD v4.1: 17 of 1,612,662 alleles (0.0011%); highest among the groups gnomAD compares: African/African-American, 0.017%; no homozygotes.

Submission:

Labcorp Genetics (formerly Invitae), Labcorp
Classification: Uncertain significance. Last evaluated: 2022-06-04. Review status: criteria provided, single submitter. Criteria: Invitae Variant Classification Sherloc (09022015). Collection method: clinical testing. Allele origin: germline.
Comment: This sequence change replaces glycine, which is neutral and non-polar, with arginine, which is basic and polar, at codon 495 of the TYRP1 protein (p.Gly495Arg). This variant is present in population databases (rs542056783, gnomAD 0.03%). This variant has not been reported in the literature in individuals affected with TYRP1-related conditions. Algorithms developed to predict the effect of missense changes on protein structure and function (SIFT, PolyPhen-2, Align-GVGD) all suggest that this variant is likely to be tolerated. Algorithms developed to predict the effect of sequence changes on RNA splicing suggest that this variant may create or strengthen a splice site. In summary, the available evidence is currently insufficient to determine the role of this variant in disease. Therefore, it has been classified as a Variant of Uncertain Significance.

NM_000550.3(TYRP1):c.1483G>A (p.Gly495Arg)

Genes: LURAP1L-AS1 (LURAP1L antisense RNA 1; minus strand), TYRP1 (tyrosinase related protein 1; plus strand). Cytogenetic location: 9p23.
Variant type: single nucleotide variant.
Coding change: c.1483G>A on transcript NM_000550.3 (MANE Select); coding-DNA position 1483, G replaced by A.
Protein change: p.Gly495Arg; replaces glycine 495 with arginine.
Molecular consequence: missense variant.
Genome position (GRCh38, 1-based): chr9:12,709,051, G>A. VCF-style: chr9-12709051-G-A. GRCh37 (hg19) VCF-style: chr9-12709051-G-A.
Other names: short protein forms G495R.
Identifiers: ClinVar variation 1913573 (VCV001913573.2), dbSNP rs542056783, ClinGen allele CA4985595.